The following is an entry in ClinVar:

ClinVar aggregate classification (germline): Uncertain significance (1 of 4 stars; one submission).

Conditions:
SEMA3E-related disorder. Also called: SEMA3E-related condition.

Submission:

PreventionGenetics, part of Exact Sciences
Classification: Uncertain significance for SEMA3E-related condition. Last evaluated: 2025-09-19. Review status: criteria provided, single submitter. Criteria: ACMG Guidelines, 2015. Collection method: clinical testing. Allele origin: germline.
Comment: The SEMA3E c.401G>A variant is predicted to result in the amino acid substitution p.Gly134Asp. To our knowledge, this variant has not been reported in the literature or in a large population database (gnomAD), indicating this variant is rare. At this time, the clinical significance of this variant is uncertain due to the absence of conclusive functional and genetic evidence.

NM_012431.3(SEMA3E):c.401G>A (p.Gly134Asp)

Gene: SEMA3E (semaphorin 3E; minus strand). Cytogenetic location: 7q21.11.
Variant type: single nucleotide variant.
Coding change: c.401G>A on transcript NM_012431.3 (MANE Select); coding-DNA position 401, G replaced by A.
Protein change: p.Gly134Asp; replaces glycine 134 with aspartic acid.
Molecular consequence: missense variant.
Genome position (GRCh38, 1-based): chr7:83,466,537, C>T on the plus strand (G>A on the coding strand, the complement: SEMA3E is on the minus strand). VCF-style: chr7-83466537-C-T. GRCh37 (hg19) VCF-style: chr7-83095853-C-T.
Other names: c.221G>A, p.Gly74Asp (NM_001178129.2); short protein forms G74D, G134D.
Identifiers: ClinVar variation 4996328 (VCV004996328.1).